The following is an entry in ClinVar:

ClinVar aggregate classification (germline): Uncertain significance. Review status: criteria provided, multiple submitters, no conflicts (2 of 4 stars). 2 submissions from 2 submitters: Uncertain significance (2). Last evaluated 2022-12-15.

Conditions:
Inborn genetic diseases. Identifiers: MedGen C0950123, MeSH D030342.

Allele frequency attached by ClinVar (database versions not stated): gnomAD exomes 0.00001 and 0.00002; ExAC 0.00002; gnomAD 0.00004; ESP Exome Variant Server 0.00008; TOPMed 0.00008.
gnomAD v4.1: 20 of 1,609,930 alleles (0.0012%); highest among the groups gnomAD compares: South Asian, 0.0045%; no homozygotes.

Submissions (2):

Ambry Genetics
Classification: Uncertain significance for Inborn genetic diseases. Last evaluated: 2022-12-15. Review status: criteria provided, single submitter. Criteria: Ambry Variant Classification Scheme 2023. Collection method: clinical testing. Allele origin: germline.

GeneDx
Classification: Uncertain significance. Last evaluated: 2017-10-17. Review status: criteria provided, single submitter. Criteria: GeneDx Variant Classification (06012015). Collection method: clinical testing. Allele origin: germline. Affected: yes.
Comment: The R424C variant in the FAN1 gene has not been reported previously as a pathogenic variant, nor as a benign variant, to our knowledge. The R424C variant is observed in 2/29574 (0.009%) alleles from individuals of South Asian background, in the ExAC dataset (Lek et al., 2016). The R424C variant is a non-conservative amino acid substitution, which is likely to impact secondary protein structure as these residues differ in polarity, charge, size and/or other properties. This substitution occurs at a position that is conserved across species. In silico analysis predicts this variant is probably damaging to the protein structure/function. We interpret R424C as a variant of uncertain significance.

NM_014967.5(FAN1):c.1270C>T (p.Arg424Cys)

Gene: FAN1 (FANCD2 and FANCI associated nuclease 1; plus strand). Cytogenetic location: 15q13.3.
Variant type: single nucleotide variant.
Coding change: c.1270C>T on transcript NM_014967.5 (MANE Select); coding-DNA position 1270, C replaced by T.
Protein change: p.Arg424Cys; replaces arginine 424 with cysteine.
Molecular consequence: missense variant.
Genome position (GRCh38, 1-based): chr15:30,908,153, C>T. VCF-style: chr15-30908153-C-T. GRCh37 (hg19) VCF-style: chr15-31200356-C-T.
Other names: c.1270C>T, p.Arg424Cys (NM_001146094.2, NM_001146095.1, NM_001146096.2); short protein forms R424C.
Identifiers: ClinVar variation 452749 (VCV000452749.4), dbSNP rs368417113, ClinGen allele CA7450252.